The following is an entry in ClinVar:

ClinVar aggregate classification (germline): Conflicting classifications of pathogenicity. Review status: criteria provided, conflicting classifications (1 of 4 stars). 4 submissions from 4 submitters: Uncertain significance (1); Likely benign (3). Last evaluated 2025-12-20.

Conditions:
Primary ciliary dyskinesia 14. Also called: CILIARY DYSKINESIA, PRIMARY, 14, WITH OR WITHOUT SITUS INVERSUS. Identifiers: Orphanet 244, MedGen C3151136, MONDO:0013434, OMIM 613807.
Primary ciliary dyskinesia. Also called: Ciliary dyskinesia. Identifiers: Orphanet 244, MedGen C0008780, MONDO:0016575, HP:0012265.

Allele frequency attached by ClinVar (database versions not stated): gnomAD exomes 0.00012 and 0.00038; ExAC 0.00089; 1000 Genomes Project 30x 0.00094; ESP Exome Variant Server 0.00101; 1000 Genomes Project 0.00120; gnomAD 0.00145 and 0.00159; TOPMed 0.00156.
gnomAD v4.1: 414 of 1,567,966 alleles (0.026%); highest among the groups gnomAD compares: African/African-American, 0.49%; 1 homozygote.

Submissions (4):

Labcorp Genetics (formerly Invitae), Labcorp
Classification: Likely benign for Primary ciliary dyskinesia. Last evaluated: 2025-12-20. Review status: criteria provided, single submitter. Criteria: Invitae Variant Classification Sherloc (09022015). Collection method: clinical testing. Allele origin: germline.

Blueprint Genetics
Classification: Likely benign. Last evaluated: 2024-11-11. Review status: criteria provided, single submitter. Criteria: ACMG Guidelines, 2015. Collection method: clinical testing. Allele origin: germline.

ARUP Laboratories, Molecular Genetics and Genomics, ARUP Laboratories
Classification: Uncertain significance for Primary ciliary dyskinesia 14. Last evaluated: 2023-09-11. Review status: criteria provided, single submitter. Criteria: ARUP Molecular Germline Variant Investigation Process 2024. Collection method: clinical testing. Allele origin: germline.
Comment: The CCDC39 c.272A>G; p.Gln91Arg variant (rs201157338), to our knowledge, is not reported in the medical literature but is reported in ClinVar (Variation ID: 525559).This variant is found in the African/African-American population with an allele frequency of 0.54% (106/19700 alleles) in the Genome Aggregation Database. Computational analyses are uncertain whether this variant is neutral or deleterious (REVEL: 0.247). While the high population frequency suggests that this is likely a benign variant, given the lack of clinical and functional data, the significance of this variant is uncertain at this time.

Ambry Genetics
Classification: Likely benign for Primary ciliary dyskinesia. Last evaluated: 2022-11-03. Review status: criteria provided, single submitter. Criteria: Ambry Variant Classification Scheme 2023. Collection method: clinical testing. Allele origin: germline.

NM_181426.2(CCDC39):c.272A>G (p.Gln91Arg)

Gene: CCDC39 (coiled-coil domain 39 molecular ruler complex subunit; minus strand). Cytogenetic location: 3q26.33.
Variant type: single nucleotide variant.
Coding change: c.272A>G on transcript NM_181426.2 (MANE Select); coding-DNA position 272, A replaced by G.
Protein change: p.Gln91Arg; replaces glutamine 91 with arginine.
Molecular consequence: missense variant.
Genome position (GRCh38, 1-based): chr3:180,661,946, T>C on the plus strand (A>G on the coding strand, the complement: CCDC39 is on the minus strand). VCF-style: chr3-180661946-T-C. GRCh37 (hg19) VCF-style: chr3-180379734-T-C.
Other names: short protein forms Q91R.
Identifiers: ClinVar variation 525559 (VCV000525559.16), dbSNP rs201157338, ClinGen allele CA2716208.